The following is an entry in ClinVar:

NM_016333.4(SRRM2):c.3097C>T (p.Leu1033Phe)

Gene: SRRM2 (serine/arginine repetitive matrix 2; plus strand). Cytogenetic location: 16p13.3.
Variant type: single nucleotide variant.
Coding change: c.3097C>T on transcript NM_016333.4 (MANE Select); coding-DNA position 3097, C replaced by T.
Protein change: p.Leu1033Phe; replaces leucine 1033 with phenylalanine.
Molecular consequence: missense variant.
Genome position (GRCh38, 1-based): chr16:2,763,625, C>T. VCF-style: chr16-2763625-C-T. GRCh37 (hg19) VCF-style: chr16-2813626-C-T.
Other names: short protein forms L1033F.
Identifiers: ClinVar variation 4714179 (VCV004714179.1).

ClinVar aggregate classification (germline): Uncertain significance (1 of 4 stars; one submission).

Submission:

Labcorp Genetics (formerly Invitae), Labcorp
Classification: Uncertain significance. Last evaluated: 2025-03-02. Review status: criteria provided, single submitter. Criteria: Invitae Variant Classification Sherloc (09022015). Collection method: clinical testing. Allele origin: germline.
Comment: This sequence change replaces leucine, which is neutral and non-polar, with phenylalanine, which is neutral and non-polar, at codon 1033 of the SRRM2 protein (p.Leu1033Phe). This variant is not present in population databases (gnomAD no frequency). This variant has not been reported in the literature in individuals affected with SRRM2-related conditions. An algorithm developed to predict the effect of missense changes on protein structure and function outputs the following: PolyPhen-2: "Not Available". The phenylalanine amino acid residue is found in multiple mammalian species, which suggests that this missense change does not adversely affect protein function. In summary, the available evidence is currently insufficient to determine the role of this variant in disease. Therefore, it has been classified as a Variant of Uncertain Significance.